The following is an entry in ClinVar:

NM_024312.5(GNPTAB):c.3598G>T (p.Glu1200Ter)

Gene: GNPTAB (N-acetylglucosamine-1-phosphate transferase subunits alpha and beta; minus strand). Cytogenetic location: 12q23.2.
Variant type: single nucleotide variant.
Coding change: c.3598G>T on transcript NM_024312.5 (MANE Select); coding-DNA position 3598, G replaced by T.
Protein change: p.Glu1200Ter; replaces glutamic acid 1200 with a stop codon.
Molecular consequence: nonsense.
Genome position (GRCh38, 1-based): chr12:101,753,376, C>A on the plus strand (G>T on the coding strand, the complement: GNPTAB is on the minus strand). VCF-style: chr12-101753376-C-A. GRCh37 (hg19) VCF-style: chr12-102147154-C-A.
Other names: short protein forms E1200*.
Identifiers: ClinVar variation 1988092 (VCV001988092.4), dbSNP rs137853825, ClinGen allele CA386292118.
Genomic context (GRCh38, chr12:101,753,376, plus strand): 5'-CATATGCATGTATACACTCACCCACACACATGCATATATAAAACATGAGAATTTACCATT[C>A]CTGCAGCTCATGCATATGAAGGAAACGGTTTCGATACTCTCTTGGCAGTTCAAATTGGGA-3'

ClinVar aggregate classification (germline): Pathogenic (1 of 4 stars; one submission).

Conditions:
Pseudo-Hurler polydystrophy. Also called: MUCOLIPIDOSIS IIIA; ML III; ML III ALPHA/BETA; Type III Mucolipidosis; ML IIIA; Mucolipidosis III Alpha/Beta. Identifiers: Orphanet 423461, Orphanet 577, MedGen C0033788, MONDO:0018931, OMIM 252600.
Mucolipidosis type II. Also called: Mucolipidosis II Alpha/Beta; ML II ALPHA/BETA; Mucolipidosis 2; ML 2; Inclusion cell disease; Leroy Disease. Identifiers: Orphanet 576, MedGen C2673377, MONDO:0009650, OMIM 252500.

Submission:

Labcorp Genetics (formerly Invitae), Labcorp
Classification: Pathogenic for Pseudo-Hurler polydystrophy; Mucolipidosis type II. Last evaluated: 2022-06-10. Review status: criteria provided, single submitter. Criteria: Invitae Variant Classification Sherloc (09022015). Collection method: clinical testing. Allele origin: germline.
Comment: For these reasons, this variant has been classified as Pathogenic. This variant has not been reported in the literature in individuals affected with GNPTAB-related conditions. This variant is not present in population databases (gnomAD no frequency). This sequence change creates a premature translational stop signal (p.Glu1200*) in the GNPTAB gene. It is expected to result in an absent or disrupted protein product. Loss-of-function variants in GNPTAB are known to be pathogenic (PMID: 19617216, 25107912).

Literature cited by the submitters: PubMed 19617216; PubMed 25107912.